The following is an entry in ClinVar:

NM_006231.4(POLE):c.6743C>T (p.Thr2248Ile)

Gene: POLE (DNA polymerase epsilon, catalytic subunit; minus strand). Cytogenetic location: 12q24.33.
Variant type: single nucleotide variant.
Coding change: c.6743C>T on transcript NM_006231.4 (MANE Select); coding-DNA position 6743, C replaced by T.
Protein change: p.Thr2248Ile; replaces threonine 2248 with isoleucine.
Molecular consequence: missense variant.
Genome position (GRCh38, 1-based): chr12:132,624,909, G>A on the plus strand (C>T on the coding strand, the complement: POLE is on the minus strand). VCF-style: chr12-132624909-G-A. GRCh37 (hg19) VCF-style: chr12-133201495-G-A.
Other names: short protein forms T2248I.
Identifiers: ClinVar variation 2447940 (VCV002447940.2), dbSNP rs2541832891, ClinGen allele CA387365989.

ClinVar aggregate classification (germline): Uncertain significance (1 of 4 stars; one submission).

Conditions:
Hereditary cancer-predisposing syndrome. Also called: Neoplastic Syndromes, Hereditary; Hereditary Cancer Syndrome; Tumor predisposition; Hereditary neoplastic syndrome. Identifiers: Orphanet 140162, MedGen C0027672, MeSH D009386, MONDO:0015356.

Submission:

Ambry Genetics
Classification: Uncertain significance for Hereditary cancer-predisposing syndrome. Last evaluated: 2023-01-25. Review status: criteria provided, single submitter. Criteria: Ambry Variant Classification Scheme 2023. Collection method: clinical testing. Allele origin: germline.
Comment: The p.T2248I variant (also known as c.6743C>T), located in coding exon 48 of the POLE gene, results from a C to T substitution at nucleotide position 6743. The threonine at codon 2248 is replaced by isoleucine, an amino acid with similar properties. This amino acid position is conserved. In addition, this alteration is predicted to be tolerated by in silico analysis. Since supporting evidence is limited at this time, the clinical significance of this alteration remains unclear.